The following is an entry in ClinVar:

ClinVar aggregate classification (germline): Uncertain significance (1 of 4 stars; one submission).

Conditions:
Combined oxidative phosphorylation deficiency. Identifiers: MedGen C4540031, MONDO:0000732.
Charcot-Marie-Tooth Neuropathy X. Identifiers: MedGen CN118851.

Submission:

Labcorp Genetics (formerly Invitae), Labcorp
Classification: Uncertain significance for Charcot-Marie-Tooth Neuropathy X; Combined oxidative phosphorylation deficiency. Last evaluated: 2018-12-25. Review status: criteria provided, single submitter. Criteria: Invitae Variant Classification Sherloc (09022015). Collection method: clinical testing. Allele origin: germline.
Comment: This sequence change replaces phenylalanine with leucine at codon 210 of the AIFM1 protein (p.Phe210Leu). The phenylalanine residue is highly conserved and there is a small physicochemical difference between phenylalanine and leucine. This variant is not present in population databases (ExAC no frequency). This variant has been observed to segregate with clinical features of Charcot-Marie-Tooth disease in a family (PMID: 28888069). This variant has been reported to affect AIFM1 protein function (PMID:28888069). This variant disrupts the p.Phe210 amino acid residue in AIFM1. Other variant(s) that disrupt this residue have been observed in individuals with AIFM1-related conditions (PMID: 28975462), which suggests that this may be a clinically significant amino acid residue. In summary, the available evidence is currently insufficient to determine the role of this variant in disease. Therefore, it has been classified as a Variant of Uncertain Significance.

Literature cited by the submitters: PubMed 28888069; PubMed 28975462.

NM_004208.4(AIFM1):c.630C>A (p.Phe210Leu)

Genes: AIFM1 (apoptosis inducing factor mitochondria associated 1; minus strand), RAB33A (RAB33A, member RAS oncogene family; plus strand). Cytogenetic location: Xq26.1.
Variant type: single nucleotide variant.
Coding change: c.630C>A on transcript NM_004208.4 (MANE Select); coding-DNA position 630, C replaced by A.
Protein change: p.Phe210Leu; replaces phenylalanine 210 with leucine.
Molecular consequence: missense variant. On other transcripts: non-coding transcript variant (1).
Genome position (GRCh38, 1-based): chrX:130,145,545, G>T on the plus strand (C>A on the coding strand, the complement: AIFM1 is on the minus strand). VCF-style: chrX-130145545-G-T. GRCh37 (hg19) VCF-style: chrX-129279520-G-T.
Other names: c.630C>A, p.Phe210Leu (NM_001130847.4); c.618C>A, p.Phe206Leu (NM_145812.3); short protein forms F206L, F210L.
Identifiers: ClinVar variation 647700 (VCV000647700.8), dbSNP rs1603226664, ClinGen allele CA414587081.